The following is an entry in ClinVar:

NM_001182.5(ALDH7A1):c.394-5T>C

Gene: ALDH7A1 (aldehyde dehydrogenase 7 family member A1; minus strand). Cytogenetic location: 5q23.2.
Variant type: single nucleotide variant.
Coding change: c.394-5T>C on transcript NM_001182.5 (MANE Select); 5 bases into the intron before coding-DNA position 394, T replaced by C.
Molecular consequence: intron variant.
Genome position (GRCh38, 1-based): chr5:126,582,979, A>G on the plus strand (T>C on the coding strand, the complement: ALDH7A1 is on the minus strand). VCF-style: chr5-126582979-A-G. GRCh37 (hg19) VCF-style: chr5-125918671-A-G.
Other names: c.394-5T>C (NM_001202404.2); c.310-5T>C (NM_001201377.2).
Identifiers: ClinVar variation 589809 (VCV000589809.10), dbSNP rs1299570489, ClinGen allele CA562238649.

ClinVar aggregate classification (germline): Conflicting classifications of pathogenicity. Review status: criteria provided, conflicting classifications (1 of 4 stars). 2 submissions from 2 submitters: Uncertain significance (1); Likely benign (1). Last evaluated 2025-11-07.

Conditions:
Inborn genetic diseases. Identifiers: MedGen C0950123, MeSH D030342.
Pyridoxine-dependent epilepsy (EPEO4). Also called: Pyridoxine-Dependent Epilepsy - ALDH7A1; EPILEPSY, EARLY-ONSET, 4, VITAMIN B6-DEPENDENT; PYRIDOXINE DEPENDENCY WITH SEIZURES; Pyridoxine-Dependent Seizures. Identifiers: Orphanet 3006, MedGen C1849508, MONDO:0009945, OMIM 266100. Disease mechanism: loss of function.

Allele frequency attached by ClinVar (database versions not stated): gnomAD exomes 0.00001; TOPMed below 0.00001.
gnomAD v4.1: 3 of 1,614,046 alleles (0.00019%); highest among the groups gnomAD compares: Admixed American, 0.005%; no homozygotes.

Submissions (2):

Labcorp Genetics (formerly Invitae), Labcorp
Classification: Likely benign for Pyridoxine-dependent epilepsy. Last evaluated: 2025-11-07. Review status: criteria provided, single submitter. Criteria: Invitae Variant Classification Sherloc (09022015). Collection method: clinical testing. Allele origin: germline.

Ambry Genetics
Classification: Uncertain significance for Inborn genetic diseases. Last evaluated: 2016-03-02. Review status: criteria provided, single submitter. Criteria: Ambry Variant Classification Scheme 2023. Collection method: clinical testing. Allele origin: germline.
Comment: The c.394-5T>C intronic variant results from a T to C substitution 5 nucleotides upstream from coding exon 5 in the ALDH7A1 gene. This variant was not reported in population based cohorts in the following databases: Database of Single Nucleotide Polymorphisms (dbSNP), NHLBI Exome Sequencing Project (ESP), and 1000 Genomes Project. In the ESP, this variant was not observed in 6503 samples (13006 alleles) with coverage at this position. This nucleotide position is well conserved in available vertebrate species. Using the BDGP and ESEfinder splice site prediction tools, this alteration is not predicted to have any significant effect on this splice acceptor site; however, direct evidence is unavailable. Since supporting evidence is limited at this time, the clinical significance of this variant remains unclear.